The following is an entry in ClinVar:

NM_000245.4(MET):c.1361A>G (p.Asn454Ser)

Gene: MET (MET proto-oncogene, receptor tyrosine kinase; plus strand). Cytogenetic location: 7q31.2.
Variant type: single nucleotide variant.
Coding change: c.1361A>G on transcript NM_000245.4 (MANE Select); coding-DNA position 1361, A replaced by G.
Protein change: p.Asn454Ser; replaces asparagine 454 with serine.
Molecular consequence: missense variant.
Genome position (GRCh38, 1-based): chr7:116,731,828, A>G. VCF-style: chr7-116731828-A-G. GRCh37 (hg19) VCF-style: chr7-116371882-A-G.
Other names: c.1361A>G, p.Asn454Ser (NM_001127500.3, NM_001324401.3); c.71A>G, p.Asn24Ser (NM_001324402.2); short protein forms N454S, N24S.
Identifiers: ClinVar variation 2779848 (VCV002779848.5), dbSNP rs587780734, ClinGen allele CA368973044.
Genomic context (GRCh38, chr7:116,731,828, plus strand): 5'-TCAGCGAAGTCCTCTTAACATCTATATCCACCTTCATTAAAGGAGACCTCACCATAGCTA[A>G]TCTTGGGACATCAGAGGGTCGCTTCATGCAGGTAAGTGCTTTCTGAGAGTAGCTGTGTCT-3'
Protein context (NP_000236.2, residues 444-464): TFIKGDLTIA[Asn454Ser]LGTSEGRFMQ

ClinVar aggregate classification (germline): Conflicting classifications of pathogenicity. Review status: criteria provided, conflicting classifications (1 of 4 stars). 2 submissions from 2 submitters: Uncertain significance (1); Likely benign (1). Last evaluated 2026-07-30.

Conditions:
Hereditary cancer-predisposing syndrome. Also called: Hereditary Cancer Syndrome; Hereditary neoplastic syndrome; Neoplastic Syndromes, Hereditary; Tumor predisposition. Identifiers: Orphanet 140162, MedGen C0027672, MeSH D009386, MONDO:0015356.
Renal cell carcinoma. Identifiers: Orphanet 217071, MedGen C0007134, MeSH D002292, MONDO:0005086, HP:0005584.

Allele frequency attached by ClinVar (database versions not stated): gnomAD exomes below 0.00001.
gnomAD v4.1: 1 of 1,614,060 alleles (0.000062%); highest among the groups gnomAD compares: Non-Finnish European, 0.000085%; no homozygotes.

Submissions (2):

Ambry Genetics
Classification: Likely benign for Hereditary cancer-predisposing syndrome. Last evaluated: 2026-07-30. Review status: criteria provided, single submitter. Criteria: Ambry Variant Classification Scheme 2023. Collection method: clinical testing. Allele origin: germline.

Labcorp Genetics (formerly Invitae), Labcorp
Classification: Uncertain significance for Renal cell carcinoma. Last evaluated: 2023-12-05. Review status: criteria provided, single submitter. Criteria: Invitae Variant Classification Sherloc (09022015). Collection method: clinical testing. Allele origin: germline.
Comment: This sequence change replaces asparagine, which is neutral and polar, with serine, which is neutral and polar, at codon 454 of the MET protein (p.Asn454Ser). This variant is not present in population databases (gnomAD no frequency). This variant has not been reported in the literature in individuals affected with MET-related conditions. Advanced modeling of protein sequence and biophysical properties (such as structural, functional, and spatial information, amino acid conservation, physicochemical variation, residue mobility, and thermodynamic stability) performed at Invitae indicates that this missense variant is not expected to disrupt MET protein function with a negative predictive value of 80%. In summary, the available evidence is currently insufficient to determine the role of this variant in disease. Therefore, it has been classified as a Variant of Uncertain Significance.